The following is an entry in ClinVar:

NM_004973.4(JARID2):c.390A>G (p.Val130=)

Gene: JARID2 (jumonji and AT-rich interaction domain containing 2; plus strand). Cytogenetic location: 6p22.3.
Variant type: single nucleotide variant.
Coding change: c.390A>G on transcript NM_004973.4 (MANE Select); coding-DNA position 390, A replaced by G.
Protein change: p.Val130=; no amino-acid change (valine 130 retained).
Molecular consequence: synonymous variant. On other transcripts: 5 prime UTR variant (1).
Genome position (GRCh38, 1-based): chr6:15,452,072, A>G. VCF-style: chr6-15452072-A-G. GRCh37 (hg19) VCF-style: chr6-15452303-A-G.
Other names: c.-127A>G (NM_001267040.1).
Identifiers: ClinVar variation 3049562 (VCV003049562.2), dbSNP rs148700457, ClinGen allele CA3642582.

ClinVar aggregate classification (germline): Benign (0 of 4 stars; one submission).

Conditions:
JARID2-related disorder. Also called: JARID2-related condition.

Allele frequency attached by ClinVar (database versions not stated): gnomAD exomes 0.00053; gnomAD 0.00080; TOPMed 0.00083; ExAC 0.00087; ESP Exome Variant Server 0.00092.
gnomAD v4.1: 984 of 1,614,022 alleles (0.061%); highest among the groups gnomAD compares: Middle Eastern, 0.033%; 11 homozygotes.

Submission:

PreventionGenetics, part of Exact Sciences
Classification: Benign for JARID2-related condition. Last evaluated: 2019-07-11. Review status: no assertion criteria provided. Collection method: clinical testing. Allele origin: germline.
Comment: This variant is classified as benign based on ACMG/AMP sequence variant interpretation guidelines (Richards et al. 2015 PMID: 25741868, with internal and published modifications).